The following is an entry in ClinVar:

ClinVar aggregate classification (germline): Conflicting classifications of pathogenicity. Review status: criteria provided, conflicting classifications (1 of 4 stars). 2 submissions from 2 submitters: Uncertain significance (1); Likely benign (1). Last evaluated 2022-08-09.

Allele frequency attached by ClinVar (database versions not stated): ExAC 0.00001; gnomAD exomes 0.00001; TOPMed 0.00002; 1000 Genomes Project 30x 0.00016; 1000 Genomes Project 0.00020.

Submissions (2):

Labcorp Genetics (formerly Invitae), Labcorp
Classification: Uncertain significance. Last evaluated: 2022-08-09. Review status: criteria provided, single submitter. Criteria: Invitae Variant Classification Sherloc (09022015). Collection method: clinical testing. Allele origin: germline.
Comment: This sequence change replaces alanine, which is neutral and non-polar, with threonine, which is neutral and polar, at codon 272 of the LRPPRC protein (p.Ala272Thr). This variant is present in population databases (rs200061143, gnomAD 0.006%). This variant has not been reported in the literature in individuals affected with LRPPRC-related conditions. ClinVar contains an entry for this variant (Variation ID: 214583). Algorithms developed to predict the effect of missense changes on protein structure and function output the following: SIFT: "Tolerated"; PolyPhen-2: "Benign"; Align-GVGD: "Class C0". The threonine amino acid residue is found in multiple mammalian species, which suggests that this missense change does not adversely affect protein function. In summary, the available evidence is currently insufficient to determine the role of this variant in disease. Therefore, it has been classified as a Variant of Uncertain Significance.

GeneDx
Classification: Likely benign. Last evaluated: 2013-01-31. Review status: criteria provided, single submitter. Criteria: GeneDx Variant Classification (06012015). Collection method: clinical testing. Allele origin: germline. Affected: yes.
Comment: This variant is considered likely benign or benign based on one or more of the following criteria: it is a conservative change, it occurs at a poorly conserved position in the protein, it is predicted to be benign by multiple in silico algorithms, and/or has population frequency not consistent with disease.

NM_133259.4(LRPPRC):c.814G>A (p.Ala272Thr)

Gene: LRPPRC (leucine rich pentatricopeptide repeat containing; minus strand). Cytogenetic location: 2p21.
Variant type: single nucleotide variant.
Coding change: c.814G>A on transcript NM_133259.4 (MANE Select); coding-DNA position 814, G replaced by A.
Protein change: p.Ala272Thr; replaces alanine 272 with threonine.
Molecular consequence: missense variant.
Genome position (GRCh38, 1-based): chr2:43,975,141, C>T on the plus strand (G>A on the coding strand, the complement: LRPPRC is on the minus strand). VCF-style: chr2-43975141-C-T. GRCh37 (hg19) VCF-style: chr2-44202280-C-T.
Other names: p.A272T:GCA>ACA; short protein forms A272T.
Identifiers: ClinVar variation 214583 (VCV000214583.4), dbSNP rs200061143, ClinGen allele CA325335.
Genomic context (GRCh38, chr2:43,975,141, plus strand): 5'-TAAGTCATACCTGCTTAACATGGTCAATGTCGCCCTTCTCAGCATATGCATTCAATAATG[C>T]GAGGTATGTGTCTGGACCAGGCTCAATTCCGGCATCTCTCATCACTGTGAGAATGTTTTC-3'
Protein context (NP_573566.2, residues 262-282): GIEPGPDTYL[Ala272Thr]LLNAYAEKGD